The following is an entry in ClinVar:

NM_001270974.2(HYDIN):c.11431C>T (p.Arg3811Cys)

Gene: HYDIN (HYDIN axonemal central pair apparatus protein; minus strand). Cytogenetic location: 16q22.2.
Variant type: single nucleotide variant.
Coding change: c.11431C>T on transcript NM_001270974.2 (MANE Select); coding-DNA position 11431, C replaced by T.
Protein change: p.Arg3811Cys; replaces arginine 3811 with cysteine.
Molecular consequence: missense variant.
Genome position (GRCh38, 1-based): chr16:70,866,209, G>A on the plus strand (C>T on the coding strand, the complement: HYDIN is on the minus strand). VCF-style: chr16-70866209-G-A. GRCh37 (hg19) VCF-style: chr16-70900112-G-A.
Other names: short protein forms R3811C.
Identifiers: ClinVar variation 1050700 (VCV001050700.2), dbSNP rs111706881, ClinGen allele CA8149020.

ClinVar aggregate classification (germline): Uncertain significance. Review status: criteria provided, single submitter (1 of 4 stars). 2 submissions from 2 submitters: Uncertain significance (1). 1 of the submissions does not count toward it. Last evaluated 2024-12-05.

Allele frequency attached by ClinVar (database versions not stated): gnomAD exomes 0.00007 and 0.00008; ESP Exome Variant Server 0.00008; ExAC 0.00015; gnomAD 0.00016 and 0.00018; 1000 Genomes Project 0.00040; 1000 Genomes Project 30x 0.00047.
gnomAD v4.1: 120 of 1,486,634 alleles (0.0081%); highest among the groups gnomAD compares: African/African-American, 0.045%; no homozygotes.

Submissions (2):

Women's Health and Genetics/Laboratory Corporation of America, LabCorp
Classification: Uncertain significance. Last evaluated: 2024-12-05. Review status: criteria provided, single submitter. Criteria: LabCorp Variant Classification Summary - May 2015. Collection method: clinical testing. Allele origin: germline.
Comment: Variant summary: HYDIN c.11431C>T (p.Arg3811Cys) results in a non-conservative amino acid change in the encoded protein sequence. Two of three in-silico tools predict a benign effect of the variant on protein function. The variant allele was found at a frequency of 8e-05 in 1480002 control chromosomes, predominantly at a frequency of 0.00045 within the African or African-American subpopulation in the gnomAD database (v4.1 dataset). This frequency is not higher than the estimated maximum for a pathogenic variant in HYDIN causing Primary Ciliary Dyskinesia 5, allowing no conclusion about variant significance. To our knowledge, no occurrence of c.11431C>T in individuals affected with Primary Ciliary Dyskinesia 5 and no experimental evidence demonstrating its impact on protein function have been reported. ClinVar contains an entry for this variant (Variation ID: 1050700). Based on the evidence outlined above, the variant was classified as uncertain significance.

Department of Pathology and Laboratory Medicine, Sinai Health System
Classification: Uncertain significance. Review status: no assertion criteria provided. Collection method: clinical testing. Allele origin: unknown. Affected: yes. Study: The Canadian Open Genetics Repository (COGR). Not counted in ClinVar's aggregate classification.
Comment: The HYDIN p.Arg3811Cys variant was not identified in the literature nor was it identified in ClinVar, Cosmic or LOVD 3.0. The variant was identified in dbSNP (ID: rs111706881) and was also found in control databases in 18 of 187994 chromosomes at a frequency of 0.000096 (Genome Aggregation Database Feb 27, 2017). The variant was observed in the following populations: African in 10 of 14118 chromosomes (freq: 0.000708), European (Non-Finnish) in 5 of 90534 chromosomes (freq: 0.000055), Latino in 1 of 22514 chromosomes (freq: 0.000044) and South Asian in 2 of 17676 chromosomes (freq: 0.000113), while the variant was not observed in the Ashkenazi Jewish, East Asian, European (Finnish) and Other populations. The variant occurs outside of the splicing consensus sequence and in silico or computational prediction software programs (SpliceSiteFinder, MaxEntScan, NNSPLICE, GeneSplicer) do not predict a difference in splicing. The p.Arg3811 residue is not conserved in mammals and four out of five computational analyses (PolyPhen-2, SIFT, AlignGVGD, MutationTaster) do not suggest a high likelihood of impact to the protein; however, this information is not predictive enough to rule out pathogenicity. In summary, based on the above information the clinical significance of this variant cannot be determined with certainty at this time. This variant is classified as a variant of uncertain significance.